The following is an entry in ClinVar:

ClinVar aggregate classification (germline): Uncertain significance (1 of 4 stars; one submission).

Conditions:
Bethlem myopathy 1A. Also called: Bethlem Muscular Dystrophy; MYOPATHY, BENIGN CONGENITAL, WITH CONTRACTURES; Bethlem myopathy 1. Identifiers: Orphanet 610, MedGen CN029274, MONDO:0024530, OMIM 158810.

Allele frequency attached by ClinVar (database versions not stated): TOPMed below 0.00001; ExAC 0.00001; gnomAD 0.00001; gnomAD exomes 0.00001 and 0.00002.
gnomAD v4.1: 24 of 1,614,008 alleles (0.0015%); highest among the groups gnomAD compares: Admixed American, 0.005%; no homozygotes.

Submission:

Labcorp Genetics (formerly Invitae), Labcorp
Classification: Uncertain significance for Bethlem myopathy 1A. Last evaluated: 2025-01-06. Review status: criteria provided, single submitter. Criteria: Invitae Variant Classification Sherloc (09022015). Collection method: clinical testing. Allele origin: germline.
Comment: This sequence change replaces arginine, which is basic and polar, with glutamine, which is neutral and polar, at codon 2287 of the COL6A3 protein (p.Arg2287Gln). This variant is present in population databases (rs777794580, gnomAD 0.003%). This variant has not been reported in the literature in individuals affected with COL6A3-related conditions. ClinVar contains an entry for this variant (Variation ID: 938819). Invitae Evidence Modeling of protein sequence and biophysical properties (such as structural, functional, and spatial information, amino acid conservation, physicochemical variation, residue mobility, and thermodynamic stability) indicates that this missense variant is not expected to disrupt COL6A3 protein function with a negative predictive value of 80%. In summary, the available evidence is currently insufficient to determine the role of this variant in disease. Therefore, it has been classified as a Variant of Uncertain Significance.

NM_004369.4(COL6A3):c.6860G>A (p.Arg2287Gln)

Gene: COL6A3 (collagen type VI alpha 3 chain; minus strand). Cytogenetic location: 2q37.3.
Variant type: single nucleotide variant.
Coding change: c.6860G>A on transcript NM_004369.4 (MANE Select); coding-DNA position 6860, G replaced by A.
Protein change: p.Arg2287Gln; replaces arginine 2287 with glutamine.
Molecular consequence: missense variant.
Genome position (GRCh38, 1-based): chr2:237,350,166, C>T on the plus strand (G>A on the coding strand, the complement: COL6A3 is on the minus strand). VCF-style: chr2-237350166-C-T. GRCh37 (hg19) VCF-style: chr2-238258809-C-T.
Other names: c.5039G>A, p.Arg1680Gln (NM_057166.5); c.6242G>A, p.Arg2081Gln (NM_057167.4); short protein forms R2081Q, R1680Q, R2287Q.
Identifiers: ClinVar variation 938819 (VCV000938819.10), dbSNP rs777794580, ClinGen allele CA2188059.